The following is an entry in ClinVar:

NM_003748.4(ALDH4A1):c.749G>A (p.Arg250Gln)

Gene: ALDH4A1 (aldehyde dehydrogenase 4 family member A1; minus strand). Cytogenetic location: 1p36.13.
Variant type: single nucleotide variant.
Coding change: c.749G>A on transcript NM_003748.4 (MANE Select); coding-DNA position 749, G replaced by A.
Protein change: p.Arg250Gln; replaces arginine 250 with glutamine.
Molecular consequence: missense variant.
Genome position (GRCh38, 1-based): chr1:18,881,817, C>T on the plus strand (G>A on the coding strand, the complement: ALDH4A1 is on the minus strand). VCF-style: chr1-18881817-C-T. GRCh37 (hg19) VCF-style: chr1-19208311-C-T.
Other names: c.569G>A, p.Arg190Gln (NM_001161504.2); c.749G>A, p.Arg250Gln (NM_001319218.2, NM_170726.3); short protein forms R190Q, R250Q.
Identifiers: ClinVar variation 1364510 (VCV001364510.9), dbSNP rs758064983, ClinGen allele CA647209.

ClinVar aggregate classification (germline): Uncertain significance (1 of 4 stars; one submission).

Conditions:
Hyperprolinemia type 2 (HYRPRO2). Also called: Deficiency of pyrroline-5-carboxylate reductase; 1-PYRROLINE-5-CARBOXYLATE DEHYDROGENASE DEFICIENCY; Delta-1-pyrroline-5-carboxylate dehydrogenase deficiency. Identifiers: Orphanet 79101, MedGen C2931835, MONDO:0009401, OMIM 239510.

Allele frequency attached by ClinVar (database versions not stated): ExAC 0.00001; gnomAD exomes 0.00001 and 0.00002.

Submissions (2):

Labcorp Genetics (formerly Invitae), Labcorp
Classification: Uncertain significance for Hyperprolinemia type 2. Last evaluated: 2022-10-03. Review status: criteria provided, single submitter. Criteria: Invitae Variant Classification Sherloc (09022015). Collection method: clinical testing. Allele origin: germline.
Comment: ClinVar contains an entry for this variant (Variation ID: 1364510). In summary, the available evidence is currently insufficient to determine the role of this variant in disease. Therefore, it has been classified as a Variant of Uncertain Significance. Algorithms developed to predict the effect of sequence changes on RNA splicing suggest that this variant may create or strengthen a splice site. Algorithms developed to predict the effect of missense changes on protein structure and function (SIFT, PolyPhen-2, Align-GVGD) all suggest that this variant is likely to be tolerated. This variant has not been reported in the literature in individuals affected with ALDH4A1-related conditions. This variant is present in population databases (rs758064983, gnomAD 0.01%). This sequence change replaces arginine, which is basic and polar, with glutamine, which is neutral and polar, at codon 250 of the ALDH4A1 protein (p.Arg250Gln).

Dr. Peter K. Rogan Lab, Western University
No classification provided (evidence only). Condition: Ovarian serous cystadenocarcinoma. Review status: no classification provided. Collection method: in vitro. Allele origin: not applicable. Functional consequence: retained intron. Not counted in ClinVar's aggregate classification.